The following is an entry in ClinVar:

NM_002857.4(PEX19):c.262G>A (p.Glu88Lys)

Gene: PEX19 (peroxisomal biogenesis factor 19; minus strand). Cytogenetic location: 1q23.2.
Variant type: single nucleotide variant.
Coding change: c.262G>A on transcript NM_002857.4 (MANE Select); coding-DNA position 262, G replaced by A.
Protein change: p.Glu88Lys; replaces glutamic acid 88 with lysine.
Molecular consequence: missense variant. On other transcripts: non-coding transcript variant (2).
Genome position (GRCh38, 1-based): chr1:160,283,028, C>T on the plus strand (G>A on the coding strand, the complement: PEX19 is on the minus strand). VCF-style: chr1-160283028-C-T. GRCh37 (hg19) VCF-style: chr1-160252818-C-T.
Other names: c.262G>A (NM_002857.3); c.262G>A, p.Glu88Lys (NM_001193644.1); short protein forms E88K.
Identifiers: ClinVar variation 596561 (VCV000596561.9), dbSNP rs372422266, ClinGen allele CA1197424.

ClinVar aggregate classification (germline): Uncertain significance. Review status: criteria provided, multiple submitters, no conflicts (2 of 4 stars). 4 submissions from 4 submitters: Uncertain significance (4). Last evaluated 2026-03-26.

Conditions:
Inborn genetic diseases. Identifiers: MedGen C0950123, MeSH D030342.
Peroxisome biogenesis disorder 12A (Zellweger). Also called: Peroxisome biogenesis disorder 12A. Identifiers: Orphanet 912, MedGen C3554002, MONDO:0013951, OMIM 614886.
PEX19-related disorder. Also called: PEX19-related condition.

Allele frequency attached by ClinVar (database versions not stated): ExAC 0.00003; gnomAD exomes 0.00004; TOPMed 0.00006; gnomAD 0.00010; ESP Exome Variant Server 0.00015.
gnomAD v4.1: 40 of 1,614,074 alleles (0.0025%); highest among the groups gnomAD compares: African/African-American, 0.024%; no homozygotes.

Submissions (4):

PreventionGenetics, part of Exact Sciences
Classification: Uncertain significance for PEX19-related condition. Last evaluated: 2026-03-26. Review status: criteria provided, single submitter. Criteria: ACMG Guidelines, 2015. Collection method: clinical testing. Allele origin: germline.
Comment: The PEX19 c.262G>A variant is predicted to result in the amino acid substitution p.Glu88Lys. To our knowledge, this variant has not been reported in the literature. This variant is reported in 0.040% of alleles in individuals of African descent in gnomAD. At this time, the clinical significance of this variant is uncertain due to the absence of conclusive functional and genetic evidence.

Ambry Genetics
Classification: Uncertain significance for Inborn genetic diseases. Last evaluated: 2025-01-28. Review status: criteria provided, single submitter. Criteria: Ambry Variant Classification Scheme 2023. Collection method: clinical testing. Allele origin: germline.

Labcorp Genetics (formerly Invitae), Labcorp
Classification: Uncertain significance for Peroxisome biogenesis disorder 12A (Zellweger). Last evaluated: 2024-11-19. Review status: criteria provided, single submitter. Criteria: Invitae Variant Classification Sherloc (09022015). Collection method: clinical testing. Allele origin: germline.
Comment: This sequence change replaces glutamic acid, which is acidic and polar, with lysine, which is basic and polar, at codon 88 of the PEX19 protein (p.Glu88Lys). This variant is present in population databases (rs372422266, gnomAD 0.04%). This variant has not been reported in the literature in individuals affected with PEX19-related conditions. ClinVar contains an entry for this variant (Variation ID: 596561). Invitae Evidence Modeling of protein sequence and biophysical properties (such as structural, functional, and spatial information, amino acid conservation, physicochemical variation, residue mobility, and thermodynamic stability) indicates that this missense variant is not expected to disrupt PEX19 protein function with a negative predictive value of 80%. In summary, the available evidence is currently insufficient to determine the role of this variant in disease. Therefore, it has been classified as a Variant of Uncertain Significance.

Eurofins Ntd Llc (ga)
Classification: Uncertain significance. Last evaluated: 2018-03-21. Review status: criteria provided, single submitter. Criteria: EGL ClinVar v180209 classification definitions. Collection method: clinical testing. Allele origin: germline. Observed: 1 variant allele, 1 heterozygote.